The following is an entry in ClinVar:

NM_003872.3(NRP2):c.1903+5G>C

Gene: NRP2 (neuropilin 2; plus strand). Cytogenetic location: 2q33.3.
Variant type: single nucleotide variant.
Coding change: c.1903+5G>C on transcript NM_003872.3 (MANE Select); 5 bases into the intron after coding-DNA position 1903, G replaced by C.
Molecular consequence: intron variant.
Genome position (GRCh38, 1-based): chr2:205,749,846, G>C. VCF-style: chr2-205749846-G-C. GRCh37 (hg19) VCF-style: chr2-206614570-G-C.
Other names: c.1903+5G>C (NM_201266.2, NM_201279.2, NM_018534.4 and 1 more transcripts).
Identifiers: ClinVar variation 4990172 (VCV004990172.1).

ClinVar aggregate classification (germline): Likely benign (1 of 4 stars; one submission).

Conditions:
NRP2-related disorder. Also called: NRP2-related condition.

gnomAD v4.1: 3 of 1,608,816 alleles (0.00019%); highest among the groups gnomAD compares: Middle Eastern, 0.017%; no homozygotes.

Submission:

PreventionGenetics, part of Exact Sciences
Classification: Likely benign for NRP2-related condition. Last evaluated: 2026-01-30. Review status: criteria provided, single submitter. Criteria: ACMG Guidelines, 2015. Collection method: clinical testing. Allele origin: germline.
Comment: This variant is classified as likely benign based on ACMG/AMP sequence variant interpretation guidelines (Richards et al. 2015 PMID: 25741868, with internal and published modifications).